The following is an entry in ClinVar:

ClinVar aggregate classification (germline): Uncertain significance (1 of 4 stars; one submission).

Conditions:
Emery-Dreifuss muscular dystrophy 5, autosomal dominant (EDMD5). Also called: EMERY-DREIFUSS MUSCULAR DYSTROPHY 5. Identifiers: Orphanet 261, MedGen C2751805, MONDO:0013072, OMIM 612999.

Submission:

Labcorp Genetics (formerly Invitae), Labcorp
Classification: Uncertain significance for Emery-Dreifuss muscular dystrophy 5, autosomal dominant. Last evaluated: 2022-03-18. Review status: criteria provided, single submitter. Criteria: Invitae Variant Classification Sherloc (09022015). Collection method: clinical testing. Allele origin: germline.
Comment: This sequence change replaces valine, which is neutral and non-polar, with isoleucine, which is neutral and non-polar, at codon 4387 of the SYNE2 protein (p.Val4387Ile). This variant is not present in population databases (gnomAD no frequency). This variant has not been reported in the literature in individuals affected with SYNE2-related conditions. Algorithms developed to predict the effect of missense changes on protein structure and function output the following: SIFT: "Tolerated"; PolyPhen-2: "Benign"; Align-GVGD: "Class C0". The isoleucine amino acid residue is found in multiple mammalian species, which suggests that this missense change does not adversely affect protein function. In summary, the available evidence is currently insufficient to determine the role of this variant in disease. Therefore, it has been classified as a Variant of Uncertain Significance.

NM_182914.3(SYNE2):c.13159G>A (p.Val4387Ile)

Gene: SYNE2 (spectrin repeat containing nuclear envelope protein 2; plus strand). Cytogenetic location: 14q23.2.
Variant type: single nucleotide variant.
Coding change: c.13159G>A on transcript NM_182914.3 (MANE Select); coding-DNA position 13159, G replaced by A.
Protein change: p.Val4387Ile; replaces valine 4387 with isoleucine.
Molecular consequence: missense variant.
Genome position (GRCh38, 1-based): chr14:64,122,012, G>A. VCF-style: chr14-64122012-G-A. GRCh37 (hg19) VCF-style: chr14-64588730-G-A.
Other names: c.13159G>A, p.Val4387Ile (NM_015180.6); short protein forms V4387I.
Identifiers: ClinVar variation 2037752 (VCV002037752.4), dbSNP rs764515386, ClinGen allele CA261845084.